The following is an entry in ClinVar:

ClinVar aggregate classification (germline): Uncertain significance (1 of 4 stars; one submission).

Conditions:
Spastic paraplegia. Identifiers: MedGen C0037772, HP:0001258.

Submission:

Labcorp Genetics (formerly Invitae), Labcorp
Classification: Uncertain significance for Spastic paraplegia. Last evaluated: 2024-05-13. Review status: criteria provided, single submitter. Criteria: Invitae Variant Classification Sherloc (09022015). Collection method: clinical testing. Allele origin: germline.
Comment: This sequence change replaces cysteine, which is neutral and slightly polar, with tyrosine, which is neutral and polar, at codon 184 of the CYP7B1 protein (p.Cys184Tyr). This variant is not present in population databases (gnomAD no frequency). This missense change has been observed in individuals with clinical features of CYP7B1-related conditions (PMID: 29126212; Invitae). Advanced modeling of protein sequence and biophysical properties (such as structural, functional, and spatial information, amino acid conservation, physicochemical variation, residue mobility, and thermodynamic stability) performed at Invitae indicates that this missense variant is expected to disrupt CYP7B1 protein function with a positive predictive value of 80%. In summary, the available evidence is currently insufficient to determine the role of this variant in disease. Therefore, it has been classified as a Variant of Uncertain Significance.

Literature cited by the submitters: PubMed 29126212.

NM_004820.5(CYP7B1):c.551G>A (p.Cys184Tyr)

Gene: CYP7B1 (cytochrome P450 family 7 subfamily B member 1; minus strand). Cytogenetic location: 8q12.3.
Variant type: single nucleotide variant.
Coding change: c.551G>A on transcript NM_004820.5 (MANE Select); coding-DNA position 551, G replaced by A.
Protein change: p.Cys184Tyr; replaces cysteine 184 with tyrosine.
Molecular consequence: missense variant.
Genome position (GRCh38, 1-based): chr8:64,615,990, C>T on the plus strand (G>A on the coding strand, the complement: CYP7B1 is on the minus strand). VCF-style: chr8-64615990-C-T. GRCh37 (hg19) VCF-style: chr8-65528547-C-T.
Other names: c.551G>A, p.Cys184Tyr (NM_001324112.2); short protein forms C184Y.
Identifiers: ClinVar variation 3720829 (VCV003720829.2).